The following is an entry in ClinVar:

NM_000346.4(SOX9):c.276G>T (p.Pro92=)

Genes: SOX9 (SRY-box transcription factor 9; plus strand), LOC108021846 (SOX9 promoter region; plus strand). Cytogenetic location: 17q24.3.
Variant type: single nucleotide variant.
Coding change: c.276G>T on transcript NM_000346.4 (MANE Select); coding-DNA position 276, G replaced by T.
Protein change: p.Pro92=; no amino-acid change (proline 92 retained).
Molecular consequence: synonymous variant.
Genome position (GRCh38, 1-based): chr17:72,121,667, G>T. VCF-style: chr17-72121667-G-T. GRCh37 (hg19) VCF-style: chr17-70117808-G-T.
Identifiers: ClinVar variation 378637 (VCV000378637.22), dbSNP rs139490970, ClinGen allele CA8738896.

ClinVar aggregate classification (germline): Benign/Likely benign. Review status: criteria provided, multiple submitters, no conflicts (2 of 4 stars). 6 submissions from 6 submitters: Benign (5); Likely benign (1). Last evaluated 2026-01-27.

Conditions:
Camptomelic dysplasia (CMPD). Also called: CMPD1/SRA1; Campomelic Dysplasia. Identifiers: Orphanet 140, MedGen C1861922, MONDO:0007251, OMIM 114290.

Allele frequency attached by ClinVar (database versions not stated): gnomAD exomes 0.00091; ExAC 0.00163; gnomAD 0.00312; TOPMed 0.00367; ESP Exome Variant Server 0.00369; 1000 Genomes Project 30x 0.00375; 1000 Genomes Project 0.00379.
gnomAD v4.1: 1,056 of 1,600,768 alleles (0.066%); highest among the groups gnomAD compares: African/African-American, 1.2%; 9 homozygotes.

Submissions (6):

Labcorp Genetics (formerly Invitae), Labcorp
Classification: Benign for Camptomelic dysplasia. Last evaluated: 2026-01-27. Review status: criteria provided, single submitter. Criteria: Invitae Variant Classification Sherloc (09022015). Collection method: clinical testing. Allele origin: germline.

Blueprint Genetics
Classification: Likely benign. Last evaluated: 2024-09-16. Review status: criteria provided, single submitter. Criteria: ACMG Guidelines, 2015. Collection method: clinical testing. Allele origin: germline.

ARUP Laboratories, Molecular Genetics and Genomics, ARUP Laboratories
Classification: Benign. Last evaluated: 2023-10-14. Review status: criteria provided, single submitter. Criteria: ARUP Molecular Germline Variant Investigation Process 2024. Collection method: clinical testing. Allele origin: germline.

Genetic Services Laboratory, University of Chicago
Classification: Benign. Last evaluated: 2019-02-18. Review status: criteria provided, single submitter. Criteria: ACMG Guidelines, 2015. Collection method: clinical testing. Allele origin: germline. Affected: no.

GeneDx
Classification: Benign. Last evaluated: 2016-02-01. Review status: criteria provided, single submitter. Criteria: GeneDx Variant Classification (06012015). Collection method: clinical testing. Allele origin: germline. Affected: yes.
Comment: This variant is considered likely benign or benign based on one or more of the following criteria: it is a conservative change, it occurs at a poorly conserved position in the protein, it is predicted to be benign by multiple in silico algorithms, and/or has population frequency not consistent with disease.

Breakthrough Genomics
Classification: Benign. Review status: criteria provided, single submitter. Criteria: ACMG Guidelines, 2015. Collection method: not provided. Allele origin: germline. Inheritance: Autosomal dominant inheritance. Affected: yes.